The following is an entry in ClinVar:

NM_003743.5(NCOA1):c.2377A>G (p.Lys793Glu)

Gene: NCOA1 (nuclear receptor coactivator 1; plus strand). Cytogenetic location: 2p23.3.
Variant type: single nucleotide variant.
Coding change: c.2377A>G on transcript NM_003743.5 (MANE Select); coding-DNA position 2377, A replaced by G.
Protein change: p.Lys793Glu; replaces lysine 793 with glutamic acid.
Molecular consequence: missense variant.
Genome position (GRCh38, 1-based): chr2:24,707,847, A>G. VCF-style: chr2-24707847-A-G. GRCh37 (hg19) VCF-style: chr2-24930716-A-G.
Other names: c.2377A>G, p.Lys793Glu (NM_001362950.1, NM_001362952.1, NM_001362954.1 and 3 more transcripts); short protein forms K793E.
Identifiers: ClinVar variation 4979439 (VCV004979439.1).
Genomic context (GRCh38, chr2:24,707,847, plus strand): 5'-GTGAAAGTGGAAAAGAAAGAACAGATGGATCCATGTAATACAAACCCAACCCCAATGACC[A>G]AACCCACTCCTGAGGAAATAAAACTGGAGGCCCAGAGCCAGGTGGGTAACTGCTTGCTTC-3'
Protein context (NP_003734.3, residues 783-803): PCNTNPTPMT[Lys793Glu]PTPEEIKLEA

ClinVar aggregate classification (germline): Uncertain significance (1 of 4 stars; one submission).

Conditions:
NCOA1-related disorder. Also called: NCOA1-related condition.

gnomAD v4.1: 18 of 1,611,174 alleles (0.0011%); highest among the groups gnomAD compares: Non-Finnish European, 0.0015%; no homozygotes.

Submission:

PreventionGenetics, part of Exact Sciences
Classification: Uncertain significance for NCOA1-related condition. Last evaluated: 2026-07-31. Review status: criteria provided, single submitter. Criteria: ACMG Guidelines, 2015. Collection method: clinical testing. Allele origin: germline.
Comment: The NCOA1 c.2377A>G variant is predicted to result in the amino acid substitution p.Lys793Glu. To our knowledge, this variant has not been reported in the literature. This variant is reported in 0.0053% of alleles in individuals of European (Non-Finnish) descent in gnomAD. At this time, the clinical significance of this variant is uncertain due to the absence of conclusive functional and genetic evidence.